The following is an entry in ClinVar:

ClinVar aggregate classification (germline): Pathogenic (1 of 4 stars; one submission).

Conditions:
EAST syndrome (SESAMES). Also called: SEIZURES, SENSORINEURAL DEAFNESS, ATAXIA, IMPAIRED INTELLECTUAL DEVELOPMENT, AND ELECTROLYTE IMBALANCE. Identifiers: Orphanet 199343, MedGen C2748572, MONDO:0013005, OMIM 612780.

Submission:

Labcorp Genetics (formerly Invitae), Labcorp
Classification: Pathogenic for EAST syndrome. Last evaluated: 2022-11-10. Review status: criteria provided, single submitter. Criteria: Invitae Variant Classification Sherloc (09022015). Collection method: clinical testing. Allele origin: germline.
Comment: This variant has not been reported in the literature in individuals affected with KCNJ10-related conditions. Algorithms developed to predict the effect of sequence changes on RNA splicing suggest that this variant may create or strengthen a splice site. This variant disrupts a region of the KCNJ10 protein in which other variant(s) (p.Arg297Cys) have been determined to be pathogenic (PMID: 19289823, 20678478, 20807765, 21088294, 21849804). This suggests that this is a clinically significant region of the protein, and that variants that disrupt it are likely to be disease-causing. For these reasons, this variant has been classified as Pathogenic. This variant is not present in population databases (gnomAD no frequency). This sequence change creates a premature translational stop signal (p.Asp267Argfs*8) in the KCNJ10 gene. While this is not anticipated to result in nonsense mediated decay, it is expected to disrupt the last 113 amino acid(s) of the KCNJ10 protein.

Literature cited by the submitters: PubMed 19289823; PubMed 20678478; PubMed 20807765; PubMed 21088294; PubMed 21849804.

NM_002241.5(KCNJ10):c.798dup (p.Asp267fs)

Gene: KCNJ10 (potassium inwardly rectifying channel subfamily J member 10; minus strand). Cytogenetic location: 1q23.2.
Variant type: Duplication.
Coding change: c.798dup on transcript NM_002241.5 (MANE Select); coding-DNA position 798, one base duplicated (A; older notation c.798dupA).
Protein change: p.Asp267fs; shifts the reading frame from aspartic acid 267.
Molecular consequence: frameshift variant.
Genome position (GRCh38, 1-based): chr1:160,041,735, T duplicated on the plus strand (A on the coding strand, the reverse complement: KCNJ10 is on the minus strand); the first of 3 consecutive T bases (chr1:160,041,735-160,041,737); duplicating any one gives the same sequence. VCF-style (leftmost placement, unchanged base first): chr1-160041734-C-CT. GRCh37 (hg19) VCF-style: chr1-160011524-C-CT.
Other names: short protein forms D267fs.
Identifiers: ClinVar variation 2813485 (VCV002813485.3), dbSNP rs2525429636, ClinGen allele CA2739275338.